The following is an entry in ClinVar:

ClinVar aggregate classification (germline): Uncertain significance (1 of 4 stars; one submission).

Conditions:
EAST syndrome (SESAMES). Also called: SEIZURES, SENSORINEURAL DEAFNESS, ATAXIA, IMPAIRED INTELLECTUAL DEVELOPMENT, AND ELECTROLYTE IMBALANCE. Identifiers: Orphanet 199343, MedGen C2748572, MONDO:0013005, OMIM 612780.

Submission:

Labcorp Genetics (formerly Invitae), Labcorp
Classification: Uncertain significance for EAST syndrome. Last evaluated: 2020-03-07. Review status: criteria provided, single submitter. Criteria: Invitae Variant Classification Sherloc (09022015). Collection method: clinical testing. Allele origin: germline.
Comment: This sequence change replaces proline with serine at codon 339 of the KCNJ10 protein (p.Pro339Ser). The proline residue is highly conserved and there is a moderate physicochemical difference between proline and serine. This variant is not present in population databases (ExAC no frequency). This variant has not been reported in the literature in individuals with KCNJ10-related disease. Algorithms developed to predict the effect of missense changes on protein structure and function do not agree on the potential impact of this missense change (SIFT: "Deleterious"; PolyPhen-2: "Benign"; Align-GVGD: "Class C0"). In summary, the available evidence is currently insufficient to determine the role of this variant in disease. Therefore, it has been classified as a Variant of Uncertain Significance.

NM_002241.5(KCNJ10):c.1015C>T (p.Pro339Ser)

Gene: KCNJ10 (potassium inwardly rectifying channel subfamily J member 10; minus strand). Cytogenetic location: 1q23.2.
Variant type: single nucleotide variant.
Coding change: c.1015C>T on transcript NM_002241.5 (MANE Select); coding-DNA position 1015, C replaced by T.
Protein change: p.Pro339Ser; replaces proline 339 with serine.
Molecular consequence: missense variant.
Genome position (GRCh38, 1-based): chr1:160,041,518, G>A on the plus strand (C>T on the coding strand, the complement: KCNJ10 is on the minus strand). VCF-style: chr1-160041518-G-A. GRCh37 (hg19) VCF-style: chr1-160011308-G-A.
Other names: short protein forms P339S.
Identifiers: ClinVar variation 577075 (VCV000577075.12), dbSNP rs1557967589, ClinGen allele CA343222642.
Genomic context (GRCh38, chr1:160,041,518, plus strand): 5'-CCTCCAACTTGAGCTTTTCAGGGTCTCCGTAGCGTACAGTGCTGTCACGGAGGCCACTAG[G>A]AGAGGCCACTTTCACAACTTGGTCAAAAAGGCTAAAGTCAGCTATGTATTTACCACTGGC-3'
Protein context (NP_002232.2, residues 329-349): LFDQVVKVAS[Pro339Ser]SGLRDSTVRY